The following is an entry in ClinVar:

NM_007194.4(CHEK2):c.684-1del

Gene: CHEK2 (checkpoint kinase 2; minus strand). Cytogenetic location: 22q12.1.
Variant type: Deletion.
Coding change: c.684-1del on transcript NM_007194.4 (MANE Select); the canonical splice acceptor site of the intron before coding-DNA position 684, one base deleted (G; older notation c.684-1delG).
Molecular consequence: splice acceptor variant.
Genome position (GRCh38, 1-based): chr22:28,712,018, C deleted on the plus strand (G on the coding strand, the reverse complement: CHEK2 is on the minus strand). VCF-style (leftmost placement, unchanged base first): chr22-28712017-AC-A. GRCh37 (hg19) VCF-style: chr22-29108005-AC-A.
Other names: c.21-1del (NM_001437942.1, NM_001257387.3); c.483-1del (NM_001349956.3); c.684-1del (NM_145862.3); c.777-1del (NM_001438295.1, NM_001438293.1); c.813-1del (NM_001438294.1, NM_001005735.3).
Identifiers: ClinVar variation 1067277 (VCV001067277.8), dbSNP rs2145953393, ClinGen allele CA2499226085.

ClinVar aggregate classification (germline): Likely pathogenic (1 of 4 stars; one submission).

Conditions:
Familial cancer of breast. Also called: hereditary breast carcinoma; BREAST CANCER, FAMILIAL; Hereditary breast cancer. Identifiers: Orphanet 227535, MedGen C0346153, MONDO:0016419, OMIM 114480. Disease mechanism: loss of function.

Submission:

Labcorp Genetics (formerly Invitae), Labcorp
Classification: Likely pathogenic for Familial cancer of breast. Last evaluated: 2020-05-03. Review status: criteria provided, single submitter. Criteria: Invitae Variant Classification Sherloc (09022015). Collection method: clinical testing. Allele origin: germline.
Comment: In summary, the currently available evidence indicates that the variant is pathogenic, but additional data are needed to prove that conclusively. Therefore, this variant has been classified as Likely Pathogenic. This sequence change affects an acceptor splice site in intron 5 of the CHEK2 gene. It is expected to disrupt RNA splicing and likely results in an absent or disrupted protein product. This variant is not present in population databases (ExAC no frequency). This variant has not been reported in the literature in individuals with CHEK2-related conditions. Algorithms developed to predict the effect of sequence changes on RNA splicing suggest that this variant may disrupt the consensus splice site, but this prediction has not been confirmed by published transcriptional studies. Donor and acceptor splice site variants typically lead to a loss of protein function (PMID: 16199547), and loss-of-function variants in CHEK2 are known to be pathogenic (PMID: 21876083, 24713400).

Literature cited by the submitters: PubMed 16199547; PubMed 21876083; PubMed 24713400.